The following is an entry in ClinVar:

NM_001267550.2(TTN):c.97754C>G (p.Pro32585Arg)

Genes: TTN (titin; minus strand), TTN-AS1 (TTN antisense RNA 1; plus strand). Cytogenetic location: 2q31.2.
Variant type: single nucleotide variant.
Coding change: c.97754C>G on transcript NM_001267550.2 (MANE Select); coding-DNA position 97754, C replaced by G.
Protein change: p.Pro32585Arg; replaces proline 32585 with arginine.
Molecular consequence: missense variant.
Genome position (GRCh38, 1-based): chr2:178,541,323, G>C on the plus strand (C>G on the coding strand, the complement: TTN is on the minus strand). VCF-style: chr2-178541323-G-C. GRCh37 (hg19) VCF-style: chr2-179406050-G-C.
Other names: c.92831C>G, p.Pro30944Arg (NM_001256850.1); c.70559C>G, p.Pro23520Arg (NM_003319.4); c.90050C>G, p.Pro30017Arg (NM_133378.4); c.70934C>G, p.Pro23645Arg (NM_133432.3); c.71135C>G, p.Pro23712Arg (NM_133437.4); short protein forms P23520R, P23645R, P23712R, P30017R, P30944R, P32585R.
Identifiers: ClinVar variation 1303432 (VCV001303432.9), dbSNP rs373959972, ClinGen allele CA1986497.

ClinVar aggregate classification (germline): Conflicting classifications of pathogenicity. Review status: criteria provided, conflicting classifications (1 of 4 stars). 6 submissions from 6 submitters: Uncertain significance (5); Likely benign (1). Last evaluated 2026-06-22.

Conditions:
Myopathy, myofibrillar, 9, with early respiratory failure (MFM9). Also called: Hereditary myopathy with early respiratory failure; EDSTROM MYOPATHY; MYOPATHY, PROXIMAL, WITH EARLY RESPIRATORY MUSCLE INVOLVEMENT; Myopathy, distal, with early respiratory failure, autosomal dominant. Identifiers: Orphanet 178464, Orphanet 34521, MedGen C1863599, MONDO:0011362, OMIM 603689.
Dilated cardiomyopathy 1G (CMD1G). Identifiers: Orphanet 154, MedGen C1858763, MONDO:0011400, OMIM 604145.
Autosomal recessive limb-girdle muscular dystrophy type 2J (LGMDR10). Also called: Limb-girdle muscular dystrophy, type 2J; MUSCULAR DYSTROPHY, LIMB-GIRDLE, AUTOSOMAL RECESSIVE 10. Identifiers: Orphanet 140922, MedGen C1837342, MONDO:0012127, OMIM 608807.
Early-onset myopathy with fatal cardiomyopathy (CMYO5). Also called: Salih Myopathy; CONGENITAL MYOPATHY 5 WITH CARDIOMYOPATHY. Identifiers: Orphanet 289377, MedGen C2673677, MONDO:0012714, OMIM 611705. Disease mechanism: loss of function.
Tibial muscular dystrophy (TMD). Also called: Udd Distal Myopathy – Tibial Muscular Dystrophy; UDD MYOPATHY; Tibial muscular dystrophy, tardive. Identifiers: Orphanet 609, MedGen C1838244, MONDO:0010870, OMIM 600334.
Hypertrophic cardiomyopathy 9. Also called: Familial hypertrophic cardiomyopathy 9. Identifiers: MedGen C1861065, MONDO:0013412, OMIM 613765.
Cardiovascular phenotype. Identifiers: MedGen CN230736.

Allele frequency attached by ClinVar (database versions not stated): gnomAD exomes 0.00001; TOPMed 0.00001; ExAC 0.00004; ESP Exome Variant Server 0.00008.
gnomAD v4.1: 10 of 1,553,772 alleles (0.00064%); highest among the groups gnomAD compares: Non-Finnish European, 0.00087%; no homozygotes.

Submissions (6):

Women's Health and Genetics/Laboratory Corporation of America, LabCorp
Classification: Uncertain significance. Last evaluated: 2026-06-22. Review status: criteria provided, single submitter. Criteria: LabCorp Variant Classification Summary - May 2015. Collection method: clinical testing. Allele origin: germline.

Molecular Diagnostic Laboratory for Inherited Cardiovascular Disease, Montreal Heart Institute
Classification: Likely benign. Last evaluated: 2025-04-09. Review status: criteria provided, single submitter. Criteria: ACMG Guidelines, 2015. Collection method: clinical testing. Allele origin: germline. Affected: no.
Comment: BP1;BP5

Fulgent Genetics
Classification: Uncertain significance for Tibial muscular dystrophy; Myopathy, myofibrillar, 9, with early respiratory failure; Dilated cardiomyopathy 1G; Autosomal recessive limb-girdle muscular dystrophy type 2J; Early-onset myopathy with fatal cardiomyopathy; Hypertrophic cardiomyopathy 9. Last evaluated: 2021-08-24. Review status: criteria provided, single submitter. Criteria: ACMG Guidelines, 2015. Collection method: clinical testing. Allele origin: unknown.

GeneDx
Classification: Uncertain significance. Last evaluated: 2020-05-21. Review status: criteria provided, single submitter. Criteria: GeneDx Variant Classification Process June 2021. Collection method: clinical testing. Allele origin: germline. Affected: yes.
Comment: Not observed at a significant frequency in large population cohorts (Lek et al., 2016); Missense variant in a gene in which most reported pathogenic variants are truncating/loss-of-function; Has not been previously published as pathogenic or benign to our knowledge

Revvity Omics, Revvity
Classification: Uncertain significance. Last evaluated: 2020-03-15. Review status: criteria provided, single submitter. Criteria: ACMG Guidelines, 2015. Collection method: clinical testing. Allele origin: germline.

Ambry Genetics
Classification: Uncertain significance for Cardiovascular phenotype. Last evaluated: 2019-07-08. Review status: criteria provided, single submitter. Criteria: Ambry Variant Classification Scheme 2023. Collection method: clinical testing. Allele origin: germline.
Comment: The p.P23520R variant (also known as c.70559C>G), located in coding exon 177 of the TTN gene, results from a C to G substitution at nucleotide position 70559. The proline at codon 23520 is replaced by arginine, an amino acid with dissimilar properties. This amino acid position is highly conserved in available vertebrate species. In addition, the in silico prediction for this alteration is inconclusive. Since supporting evidence is limited at this time, the clinical significance of this alteration remains unclear.